The following is an entry in ClinVar:

NM_001378778.1(MPDZ):c.5681T>C (p.Met1894Thr)

Gene: MPDZ (multiple PDZ domain crumbs cell polarity complex component; minus strand). Cytogenetic location: 9p23.
Variant type: single nucleotide variant.
Coding change: c.5681T>C on transcript NM_001378778.1 (MANE Select); coding-DNA position 5681, T replaced by C.
Protein change: p.Met1894Thr; replaces methionine 1894 with threonine.
Molecular consequence: missense variant.
Genome position (GRCh38, 1-based): chr9:13,112,067, A>G on the plus strand (T>C on the coding strand, the complement: MPDZ is on the minus strand). VCF-style: chr9-13112067-A-G. GRCh37 (hg19) VCF-style: chr9-13112066-A-G.
Other names: c.5582T>C, p.Met1861Thr (NM_001261406.2, NM_001375416.1, NM_001375417.1 and 1 more transcripts); c.5495T>C, p.Met1832Thr (NM_001261407.2, NM_001375419.1); c.5681T>C, p.Met1894Thr (NM_001330637.2); c.5780T>C, p.Met1927Thr (NM_001375413.1); c.5471T>C, p.Met1824Thr (NM_001375420.1, NM_001375421.1, NM_001375422.1 and 2 more transcripts); c.5384T>C, p.Met1795Thr (NM_001375425.1, NM_001375426.1); c.5273T>C, p.Met1758Thr (NM_001375427.1); c.5594T>C, p.Met1865Thr (NM_003829.5); short protein forms M1927T, M1824T, M1832T, M1861T, M1758T, M1795T, M1865T, M1894T.
Identifiers: ClinVar variation 1418556 (VCV001418556.9), dbSNP rs962847354, ClinGen allele CA189268837.

ClinVar aggregate classification (germline): Uncertain significance (1 of 4 stars; one submission).

Allele frequency attached by ClinVar (database versions not stated): gnomAD exomes below 0.00001.

Submission:

Labcorp Genetics (formerly Invitae), Labcorp
Classification: Uncertain significance. Last evaluated: 2025-12-11. Review status: criteria provided, single submitter. Criteria: Invitae Variant Classification Sherloc (09022015). Collection method: clinical testing. Allele origin: germline.
Comment: This sequence change replaces methionine, which is neutral and non-polar, with threonine, which is neutral and polar, at codon 1865 of the MPDZ protein (p.Met1865Thr). This variant is present in population databases (no rsID available, gnomAD 0.1%). This variant has not been reported in the literature in individuals affected with MPDZ-related conditions. ClinVar contains an entry for this variant (Variation ID: 1418556). An algorithm developed to predict the effect of missense changes on protein structure and function (PolyPhen-2) suggests that this variant is likely to be disruptive. In summary, the available evidence is currently insufficient to determine the role of this variant in disease. Therefore, it has been classified as a Variant of Uncertain Significance.